The following is an entry in ClinVar:

NM_001002295.2(GATA3):c.157A>T (p.Ile53Phe)

Gene: GATA3 (GATA binding protein 3; plus strand). Cytogenetic location: 10p14.
Variant type: single nucleotide variant.
Coding change: c.157A>T on transcript NM_001002295.2 (MANE Select); coding-DNA position 157, A replaced by T.
Protein change: p.Ile53Phe; replaces isoleucine 53 with phenylalanine.
Molecular consequence: missense variant.
Genome position (GRCh38, 1-based): chr10:8,055,812, A>T. VCF-style: chr10-8055812-A-T. GRCh37 (hg19) VCF-style: chr10-8097775-A-T.
Other names: c.157A>T, p.Ile53Phe (NM_002051.3); short protein forms I53F.
Identifiers: ClinVar variation 3678683 (VCV003678683.2).
Genomic context (GRCh38, chr10:8,055,812, plus strand): 5'-CACTCCTACATGGACGCGGCGCAGTACCCGCTGCCGGAGGAGGTGGATGTGCTTTTTAAC[A>T]TCGACGGTCAAGGCAACCACGTCCCGCCCTACTACGGAAACTCGGTCAGGGCCACGGTGC-3'
Protein context (NP_001002295.1, residues 43-63): LPEEVDVLFN[Ile53Phe]DGQGNHVPPY

ClinVar aggregate classification (germline): Uncertain significance (1 of 4 stars; one submission).

gnomAD v4.1: 1 of 1,592,686 alleles (0.000063%); no homozygotes.

Submission:

Labcorp Genetics (formerly Invitae), Labcorp
Classification: Uncertain significance. Last evaluated: 2024-09-14. Review status: criteria provided, single submitter. Criteria: Invitae Variant Classification Sherloc (09022015). Collection method: clinical testing. Allele origin: germline.
Comment: This sequence change replaces isoleucine, which is neutral and non-polar, with phenylalanine, which is neutral and non-polar, at codon 53 of the GATA3 protein (p.Ile53Phe). This variant is not present in population databases (gnomAD no frequency). This variant has not been reported in the literature in individuals affected with GATA3-related conditions. Invitae Evidence Modeling of protein sequence and biophysical properties (such as structural, functional, and spatial information, amino acid conservation, physicochemical variation, residue mobility, and thermodynamic stability) indicates that this missense variant is not expected to disrupt GATA3 protein function with a negative predictive value of 80%. In summary, the available evidence is currently insufficient to determine the role of this variant in disease. Therefore, it has been classified as a Variant of Uncertain Significance.